The following is an entry in ClinVar:

ClinVar aggregate classification (germline): Conflicting classifications of pathogenicity. Review status: criteria provided, conflicting classifications (1 of 4 stars). 4 submissions from 4 submitters: Uncertain significance (3); Likely benign (1). Last evaluated 2026-05-27.

Conditions:
Inborn genetic diseases. Identifiers: MedGen C0950123, MeSH D030342.
X-linked progressive cerebellar ataxia. Also called: OPCA, X-LINKED; Spinocerebellar ataxia, X-linked 1; OLIVOPONTOCEREBELLAR ATROPHY, X-LINKED. Identifiers: Orphanet 1175, MedGen C0796205, MONDO:0010547, OMIM 302500.
ATP2B3-related disorder. Also called: ATP2B3-related condition.

Allele frequency attached by ClinVar (database versions not stated): gnomAD 0.00005; ExAC 0.00010; 1000 Genomes Project 30x 0.00021; 1000 Genomes Project 0.00026.
gnomAD v4.1: 44 of 1,209,974 alleles (0.0036%); highest among the groups gnomAD compares: East Asian, 0.086%; no homozygotes.

Submissions (4):

Women's Health and Genetics/Laboratory Corporation of America, LabCorp
Classification: Uncertain significance. Last evaluated: 2026-05-27. Review status: criteria provided, single submitter. Criteria: LabCorp Variant Classification Summary - May 2015. Collection method: clinical testing. Allele origin: germline.
Comment: Variant summary: ATP2B3 c.472G>T (p.Ala158Ser) results in a conservative amino acid change in the encoded protein sequence. Algorithms developed to predict the effect of missense changes on protein structure and function are either unavailable or do not agree on the potential impact of this missense change. The variant allele was found at a frequency of 9.3e-05 in 183201 control chromosomes, predominantly at a frequency of 0.0012 within the East Asian subpopulation in the gnomAD database. This frequency is not significantly higher than estimated for disease-causing variants in ATP2B3, allowing no conclusion about variant significance. To our knowledge, no occurrence of c.472G>T in individuals affected with ATP2B3-related conditions and no experimental evidence demonstrating its impact on protein function have been reported. ClinVar contains an entry for this variant (Variation ID: 2373738). Based on the evidence outlined above, the variant was classified as uncertain significance.

PreventionGenetics, part of Exact Sciences
Classification: Likely benign for ATP2B3-related condition. Last evaluated: 2025-05-27. Review status: criteria provided, single submitter. Criteria: ACMG Guidelines, 2015. Collection method: clinical testing. Allele origin: germline.
Comment: This variant is classified as likely benign based on ACMG/AMP sequence variant interpretation guidelines (Richards et al. 2015 PMID: 25741868, with internal and published modifications).

ARUP Laboratories, Molecular Genetics and Genomics, ARUP Laboratories
Classification: Uncertain significance for X-linked progressive cerebellar ataxia. Last evaluated: 2023-11-03. Review status: criteria provided, single submitter. Criteria: ARUP Molecular Germline Variant Investigation Process 2024. Collection method: clinical testing. Allele origin: germline.

Ambry Genetics
Classification: Uncertain significance for Inborn genetic diseases. Last evaluated: 2021-11-29. Review status: criteria provided, single submitter. Criteria: Ambry Variant Classification Scheme 2023. Collection method: clinical testing. Allele origin: germline.

NM_001001344.3(ATP2B3):c.472G>T (p.Ala158Ser)

Gene: ATP2B3 (ATPase plasma membrane Ca2+ transporting 3; plus strand). Cytogenetic location: Xq28.
Variant type: single nucleotide variant.
Coding change: c.472G>T on transcript NM_001001344.3 (MANE Select); coding-DNA position 472, G replaced by T.
Protein change: p.Ala158Ser; replaces alanine 158 with serine.
Molecular consequence: missense variant.
Genome position (GRCh38, 1-based): chrX:153,541,734, G>T. VCF-style: chrX-153541734-G-T. GRCh37 (hg19) VCF-style: chrX-152807192-G-T.
Other names: c.472G>T, p.Ala158Ser (NM_001388360.1, NM_001388361.1, NM_001388362.1 and 2 more transcripts); short protein forms A158S.
Identifiers: ClinVar variation 2373738 (VCV002373738.5), dbSNP rs782679701, ClinGen allele CA10547497.